The following is an entry in ClinVar:

ClinVar aggregate classification (germline): Uncertain significance (1 of 4 stars; one submission).

Submission:

CeGaT Center for Human Genetics Tuebingen
Classification: Uncertain significance. Last evaluated: 2023-07-01. Review status: criteria provided, single submitter. Criteria: CeGaT Center For Human Genetics Tuebingen Variant Classification Criteria Version 2. Collection method: clinical testing. Allele origin: germline. Affected: yes. Observed: 2 variant alleles.
Comment: VPS13B: PM2, PM3, PP3

NM_152564.5(VPS13B):c.710G>C (p.Arg237Pro)

Gene: VPS13B (vacuolar protein sorting 13 homolog B; plus strand). Cytogenetic location: 8q22.2.
Variant type: single nucleotide variant.
Coding change: c.710G>C on transcript NM_152564.5 (MANE Select); coding-DNA position 710, G replaced by C.
Protein change: p.Arg237Pro; replaces arginine 237 with proline.
Molecular consequence: missense variant. On other transcripts: non-coding transcript variant (1).
Genome position (GRCh38, 1-based): chr8:99,111,227, G>C. VCF-style: chr8-99111227-G-C. GRCh37 (hg19) VCF-style: chr8-100123455-G-C.
Other names: c.710G>C, p.Arg237Pro (NM_015243.3, NM_017890.5, NM_181661.3); short protein forms R237P.
Identifiers: ClinVar variation 2579050 (VCV002579050.25), dbSNP rs751804274, ClinGen allele CA371860214.